The following is an entry in ClinVar:

NM_004656.4(BAP1):c.1551dup (p.Arg518fs)

Gene: BAP1 (BRCA1 associated deubiquitinase 1; minus strand). Cytogenetic location: 3p21.1.
Variant type: Duplication.
Coding change: c.1551dup on transcript NM_004656.4 (MANE Select); coding-DNA position 1551, one base duplicated (G; older notation c.1551dupG).
Protein change: p.Arg518fs; shifts the reading frame from arginine 518.
Molecular consequence: frameshift variant.
Genome position (GRCh38, 1-based): chr3:52,403,594, C duplicated on the plus strand (G on the coding strand, the reverse complement: BAP1 is on the minus strand). VCF-style (leftmost placement, unchanged base first): chr3-52403593-G-GC. GRCh37 (hg19) VCF-style: chr3-52437609-G-GC.
Other names: c.1497dup, p.Arg500fs (NM_001410772.1); short protein forms R518fs, R500fs.
Identifiers: ClinVar variation 3728968 (VCV003728968.2).

ClinVar aggregate classification (germline): Pathogenic (1 of 4 stars; one submission).

Conditions:
BAP1-related tumor predisposition syndrome (TPDS1). Also called: Tumor susceptibility linked to germline BAP1 mutations; COMMON Syndrome; TUMOR PREDISPOSITION SYNDROME 1; BAP1 tumor predisposition syndrome. Identifiers: Orphanet 289539, MedGen C3280492, MONDO:0013692, OMIM 614327.

Submission:

Labcorp Genetics (formerly Invitae), Labcorp
Classification: Pathogenic for BAP1-related tumor predisposition syndrome. Last evaluated: 2025-01-14. Review status: criteria provided, single submitter. Criteria: Invitae Variant Classification Sherloc (09022015). Collection method: clinical testing. Allele origin: germline.
Comment: This sequence change creates a premature translational stop signal (p.Arg518Alafs*19) in the BAP1 gene. It is expected to result in an absent or disrupted protein product. Loss-of-function variants in BAP1 are known to be pathogenic (PMID: 21874000, 23684012). This variant is not present in population databases (gnomAD no frequency). This variant has not been reported in the literature in individuals affected with BAP1-related conditions. For these reasons, this variant has been classified as Pathogenic.

Literature cited by the submitters: PubMed 21874000; PubMed 23684012.